The following is an entry in ClinVar:

ClinVar aggregate classification (germline): Uncertain significance (1 of 4 stars; one submission).

Conditions:
Intellectual developmental disorder, autosomal dominant 1. Also called: Intellectual disability, autosomal dominant 1; MBD5 Haploinsufficiency. Identifiers: Orphanet 228402, MedGen C1969562, MONDO:0007974, OMIM 156200.

Allele frequency attached by ClinVar (database versions not stated): gnomAD exomes below 0.00001; gnomAD 0.00001; ExAC 0.00002.
gnomAD v4.1: 2 of 1,613,826 alleles (0.00012%); highest among the groups gnomAD compares: East Asian, 0.0045%; no homozygotes.

Submission:

Labcorp Genetics (formerly Invitae), Labcorp
Classification: Uncertain significance for Intellectual developmental disorder, autosomal dominant 1. Last evaluated: 2023-04-04. Review status: criteria provided, single submitter. Criteria: Invitae Variant Classification Sherloc (09022015). Collection method: clinical testing. Allele origin: germline.
Comment: This sequence change replaces asparagine, which is neutral and polar, with lysine, which is basic and polar, at codon 316 of the MBD5 protein (p.Asn316Lys). This variant is present in population databases (rs773283959, gnomAD 0.02%). This variant has not been reported in the literature in individuals affected with MBD5-related conditions. Advanced modeling of protein sequence and biophysical properties (such as structural, functional, and spatial information, amino acid conservation, physicochemical variation, residue mobility, and thermodynamic stability) performed at Invitae indicates that this missense variant is not expected to disrupt MBD5 protein function. In summary, the available evidence is currently insufficient to determine the role of this variant in disease. Therefore, it has been classified as a Variant of Uncertain Significance.

NM_001378120.1(MBD5):c.948T>A (p.Asn316Lys)

Gene: MBD5 (methyl-CpG binding domain protein 5; plus strand). Cytogenetic location: 2q23.1.
Variant type: single nucleotide variant.
Coding change: c.948T>A on transcript NM_001378120.1 (MANE Select); coding-DNA position 948, T replaced by A.
Protein change: p.Asn316Lys; replaces asparagine 316 with lysine.
Molecular consequence: missense variant.
Genome position (GRCh38, 1-based): chr2:148,468,891, T>A. VCF-style: chr2-148468891-T-A. GRCh37 (hg19) VCF-style: chr2-149226460-T-A.
Other names: c.948T>A, p.Asn316Lys (NM_018328.5); short protein forms N316K.
Identifiers: ClinVar variation 2718648 (VCV002718648.3), dbSNP rs773283959, ClinGen allele CA1899946.
Genomic context (GRCh38, chr2:148,468,891, plus strand): 5'-TATACCTCTTTCCCCAACCTTGACTACAAAGAGTCCAGTAATGAAAAAACCAATGTGTAA[T>A]TTTTCAACTAATATGGAAATACCACGAGCAATGTTCCACCACAAACCACCCCAAGGCCCA-3'
Protein context (NP_001365049.1, residues 306-326): KSPVMKKPMC[Asn316Lys]FSTNMEIPRA